The following is an entry in ClinVar:

NM_001365536.1(SCN9A):c.5644A>G (p.Thr1882Ala)

Genes: SCN1A-AS1 (SCN1A and SCN9A antisense RNA 1; plus strand), SCN9A (sodium voltage-gated channel alpha subunit 9; minus strand). Cytogenetic location: 2q24.3.
Variant type: single nucleotide variant.
Coding change: c.5644A>G on transcript NM_001365536.1 (MANE Select); coding-DNA position 5644, A replaced by G.
Protein change: p.Thr1882Ala; replaces threonine 1882 with alanine.
Molecular consequence: missense variant.
Genome position (GRCh38, 1-based): chr2:166,198,995, T>C on the plus strand (A>G on the coding strand, the complement: SCN9A is on the minus strand). VCF-style: chr2-166198995-T-C. GRCh37 (hg19) VCF-style: chr2-167055505-T-C.
Other names: c.5611A>G, p.Thr1871Ala (NM_002977.4); short protein forms T1882A, T1871A.
Identifiers: ClinVar variation 1914347 (VCV001914347.5), dbSNP rs2468875124, ClinGen allele CA349051828.

ClinVar aggregate classification (germline): Uncertain significance (1 of 4 stars; one submission).

Conditions:
Neuropathy, hereditary sensory and autonomic, type 2A (HSAN2A). Also called: ACROOSTEOLYSIS, GIACCAI TYPE; ACROOSTEOLYSIS, NEUROGENIC; WNK1-Related HSAN2 (HSAN2A); MORVAN DISEASE; NEUROPATHY, CONGENITAL SENSORY; NEUROPATHY, HEREDITARY SENSORY RADICULAR, AUTOSOMAL RECESSIVE. Identifiers: Orphanet 970, MedGen C2752089, MONDO:0024309, OMIM 201300.
Generalized epilepsy with febrile seizures plus, type 7 (GEFSP7). Also called: GEFS+, TYPE 7. Identifiers: Orphanet 36387, MedGen C2751778, MONDO:0013470, OMIM 613863.

Allele frequency attached by ClinVar (database versions not stated): gnomAD exomes below 0.00001.
gnomAD v4.1: 1 of 1,614,078 alleles (0.000062%); highest among the groups gnomAD compares: Admixed American, 0.0017%; no homozygotes.

Submission:

Labcorp Genetics (formerly Invitae), Labcorp
Classification: Uncertain significance for Neuropathy, hereditary sensory and autonomic, type 2A; Generalized epilepsy with febrile seizures plus, type 7. Last evaluated: 2024-05-09. Review status: criteria provided, single submitter. Criteria: Invitae Variant Classification Sherloc (09022015). Collection method: clinical testing. Allele origin: germline.
Comment: This sequence change replaces threonine, which is neutral and polar, with alanine, which is neutral and non-polar, at codon 1871 of the SCN9A protein (p.Thr1871Ala). This variant is not present in population databases (gnomAD no frequency). This variant has not been reported in the literature in individuals affected with SCN9A-related conditions. ClinVar contains an entry for this variant (Variation ID: 1914347). Advanced modeling of protein sequence and biophysical properties (such as structural, functional, and spatial information, amino acid conservation, physicochemical variation, residue mobility, and thermodynamic stability) has been performed at Invitae for this missense variant, however the output from this modeling did not meet the statistical confidence thresholds required to predict the impact of this variant on SCN9A protein function. In summary, the available evidence is currently insufficient to determine the role of this variant in disease. Therefore, it has been classified as a Variant of Uncertain Significance.